The following is an entry in ClinVar:

NM_001387430.1(SH2B1):c.953G>A (p.Arg318Gln)

Gene: SH2B1 (SH2B adaptor protein 1; plus strand). Cytogenetic location: 16p11.2.
Variant type: single nucleotide variant.
Coding change: c.953G>A on transcript NM_001387430.1 (MANE Select); coding-DNA position 953, G replaced by A.
Protein change: p.Arg318Gln; replaces arginine 318 with glutamine.
Molecular consequence: missense variant. On other transcripts: intron variant (1).
Genome position (GRCh38, 1-based): chr16:28,867,344, G>A. VCF-style: chr16-28867344-G-A. GRCh37 (hg19) VCF-style: chr16-28878665-G-A.
Other names: c.953G>A, p.Arg318Gln (NM_001145795.2, NM_001145796.2, NM_001145797.2 and 4 more transcripts); c.-26-30G>A (NM_001308294.2); short protein forms R318Q.
Identifiers: ClinVar variation 4997441 (VCV004997441.1).

ClinVar aggregate classification (germline): Uncertain significance (1 of 4 stars; one submission).

Conditions:
SH2B1-related disorder. Also called: SH2B1-related condition.

gnomAD v4.1: 7 of 1,613,896 alleles (0.00043%); highest among the groups gnomAD compares: Admixed American, 0.0017%; no homozygotes.

Submission:

PreventionGenetics, part of Exact Sciences
Classification: Uncertain significance for SH2B1-related condition. Last evaluated: 2026-01-26. Review status: criteria provided, single submitter. Criteria: ACMG Guidelines, 2015. Collection method: clinical testing. Allele origin: germline.
Comment: The SH2B1 c.953G>A variant is predicted to result in the amino acid substitution p.Arg318Gln. To our knowledge, this variant has not been reported in the literature. This variant is reported in 0.0046% of alleles in individuals of European (Finnish) descent in gnomAD. At this time, the clinical significance of this variant is uncertain due to the absence of conclusive functional and genetic evidence.